The following is an entry in ClinVar:

ClinVar aggregate classification (germline): Pathogenic (1 of 4 stars; one submission).

Conditions:
X-linked Alport syndrome (ATS1). Also called: COL4A5-Related Nephropathy; NEPHROPATHY AND DEAFNESS, X-LINKED. Identifiers: Orphanet 63, Orphanet 88917, MedGen C4746986, MONDO:0010520, OMIM 301050.

Submission:

Precision Medicine Center, Zhengzhou University
Classification: Pathogenic for X-linked Alport syndrome. Review status: criteria provided, single submitter. Criteria: ACMG Guidelines, 2015. Collection method: research. Allele origin: germline. Affected: yes.
Comment: PVS1:Null variant in the gene with established LOF as a disease mechanism PM2:not found in gnomAD PP3:Multiple lines of computational evidence support a deleterious effect on the gene or gene product

NM_033380.3(COL4A5):c.4787G>A (p.Trp1596Ter)

Gene: COL4A5 (collagen type IV alpha 5 chain; plus strand). Cytogenetic location: Xq22.3.
Variant type: single nucleotide variant.
Coding change: c.4787G>A on transcript NM_033380.3 (MANE Select); coding-DNA position 4787, G replaced by A.
Protein change: p.Trp1596Ter; replaces tryptophan 1596 with a stop codon.
Molecular consequence: nonsense.
Genome position (GRCh38, 1-based): chrX:108,694,887, G>A. VCF-style: chrX-108694887-G-A. GRCh37 (hg19) VCF-style: chrX-107938117-G-A.
Other names: c.4769G>A, p.Trp1590Ter (NM_000495.5); short protein forms W1590*, W1596*.
Identifiers: ClinVar variation 1077056 (VCV001077056.1), dbSNP rs2148001657, ClinGen allele CA414132550.
Genomic context (GRCh38, chrX:108,694,887, plus strand): 5'-CAGCTGTGGTGATCGCAGTTCACAGTCAGACGATCCAGATTCCCCATTGTCCTCAGGGAT[G>A]GGATTCTCTGTGGATTGGTTATTCCTTCATGATGGTATTTTACACTCTTCCTTGCATTTG-3'